The following is an entry in ClinVar:

NM_022132.5(MCCC2):c.1371T>A (p.Tyr457Ter)

Gene: MCCC2 (methylcrotonyl-CoA carboxylase subunit 2; plus strand). Cytogenetic location: 5q13.2.
Variant type: single nucleotide variant.
Coding change: c.1371T>A on transcript NM_022132.5 (MANE Select); coding-DNA position 1371, T replaced by A.
Protein change: p.Tyr457Ter; replaces tyrosine 457 with a stop codon.
Molecular consequence: nonsense.
Genome position (GRCh38, 1-based): chr5:71,649,251, T>A. VCF-style: chr5-71649251-T-A. GRCh37 (hg19) VCF-style: chr5-70945078-T-A.
Other names: c.1257T>A, p.Tyr419Ter (NM_001363147.1); c.1371T>A (NM_022132.4); short protein forms Y457*, Y419*.
Identifiers: ClinVar variation 1974579 (VCV001974579.6), dbSNP rs764213364, ClinGen allele CA3298115.
Genomic context (GRCh38, chr5:71,649,251, plus strand): 5'-AACCCTCATCATTGGGGGCTCCTATGGAGCCGGAAACTATGGGATGTGTGGCAGAGCATA[T>A]AGGTAGGTGTCATGATTTTCTCTGAAACAAAGAAACATGCTTCAAGTATAAAATACATGG-3'

ClinVar aggregate classification (germline): Pathogenic/Likely pathogenic. Review status: criteria provided, multiple submitters, no conflicts (2 of 4 stars). 2 submissions from 2 submitters: Pathogenic (1); Likely pathogenic (1). Last evaluated 2024-06-03.

Conditions:
3-methylcrotonyl-CoA carboxylase 2 deficiency. Also called: METHYLCROTONYLGLYCINURIA, TYPE II; 3 alpha methylcrotonyl-CoA carboxylase 2 deficiency; 3 alpha methylcrotonylglycinuria 2; MCC 2 deficiency; Methylcrotonylglycinuria type 2. Identifiers: Orphanet 6, MedGen C1859499, MONDO:0008862, OMIM 210210.

Allele frequency attached by ClinVar (database versions not stated): ExAC 0.00001; gnomAD 0.00001.
gnomAD v4.1: 3 of 1,613,316 alleles (0.00019%); highest among the groups gnomAD compares: Admixed American, 0.0033%; no homozygotes.

Submissions (2):

Natera, Inc.
Classification: Likely pathogenic for 3-methylcrotonyl-CoA carboxylase 2 deficiency. Last evaluated: 2024-06-03. Review status: criteria provided, single submitter. Criteria: Natera Variant Classification Schema (03/2026). Collection method: clinical testing. Allele origin: germline.
Comment: The c.1371T>A variant in MCCC2 is a nonsense variant predicted to introduce a stop codon at amino acid 457. This variant is expected to result in nonsense mediated decay, truncation, or a dysfunctional protein product. This variant is rare in the general population with a frequency below the threshold expected for the associated phenotype(s). Given the available evidence, this variant is classified as Likely Pathogenic.

Labcorp Genetics (formerly Invitae), Labcorp
Classification: Pathogenic for 3-methylcrotonyl-CoA carboxylase 2 deficiency. Last evaluated: 2022-07-26. Review status: criteria provided, single submitter. Criteria: Invitae Variant Classification Sherloc (09022015). Collection method: clinical testing. Allele origin: germline.
Comment: This sequence change creates a premature translational stop signal (p.Tyr457*) in the MCCC2 gene. It is expected to result in an absent or disrupted protein product. Loss-of-function variants in MCCC2 are known to be pathogenic (PMID: 11181649, 22642865). This variant is present in population databases (rs764213364, gnomAD 0.006%). For these reasons, this variant has been classified as Pathogenic. This variant has not been reported in the literature in individuals affected with MCCC2-related conditions.

Literature cited by the submitters: PubMed 11181649 (cited by Labcorp Genetics (formerly Invitae), Labcorp); PubMed 22642865 (cited by Labcorp Genetics (formerly Invitae), Labcorp).